The following is an entry in ClinVar:

NM_181458.4(PAX3):c.1420+55C>T

Gene: PAX3 (paired box 3; minus strand). Cytogenetic location: 2q36.1.
Variant type: single nucleotide variant.
Coding change: c.1420+55C>T on transcript NM_181458.4 (MANE Select); 55 bases into the intron after coding-DNA position 1420, C replaced by T.
Molecular consequence: intron variant. On other transcripts: 3 prime UTR variant (1).
Genome position (GRCh38, 1-based): chr2:222,201,889, G>A on the plus strand (C>T on the coding strand, the complement: PAX3 is on the minus strand). VCF-style: chr2-222201889-G-A. GRCh37 (hg19) VCF-style: chr2-223066608-G-A.
Other names: c.*35C>T (NM_181457.4); c.1417+55C>T (NM_001127366.3); c.1174-447C>T (NM_181460.4, NM_181461.4); c.1420+55C>T (NM_181459.4).
Identifiers: ClinVar variation 334556 (VCV000334556.6), dbSNP rs186207055, ClinGen allele CA2135421.

ClinVar aggregate classification (germline): Benign. Review status: criteria provided, multiple submitters, no conflicts (2 of 4 stars). 3 submissions from 2 submitters: Benign (3). Last evaluated 2018-01-13.

Conditions:
Waardenburg syndrome. Also called: Waardenburg's syndrome. Identifiers: Orphanet 3440, MedGen C3266898, MONDO:0018094.
Craniofacial-deafness-hand syndrome (CDHS). Identifiers: Orphanet 1529, MedGen C1852510, MONDO:0007395, OMIM 122880.

Allele frequency attached by ClinVar (database versions not stated): TOPMed 0.00028; ESP Exome Variant Server 0.00038; 1000 Genomes Project 0.00060; 1000 Genomes Project 30x 0.00062.
gnomAD v4.1: 806 of 1,613,846 alleles (0.05%); highest among the groups gnomAD compares: Middle Eastern, 0.36%; 5 homozygotes.

Submissions (3):

Illumina Laboratory Services, Illumina
Classification: Benign for Waardenburg syndrome. Last evaluated: 2018-01-13. Review status: criteria provided, single submitter. Criteria: ICSL Variant Classification Criteria 13 December 2019. Collection method: clinical testing. Allele origin: germline.
Comment: This variant was observed in the ICSL laboratory as part of a predisposition screen in an ostensibly healthy population. It had not been previously curated by ICSL or reported in the Human Gene Mutation Database (HGMD: prior to June 1st, 2018), and was therefore a candidate for classification through an automated scoring system. Utilizing variant allele frequency, disease prevalence and penetrance estimates, and inheritance mode, an automated score was calculated to assess if this variant is too frequent to cause the disease. Based on the score and internal cut-off values, a variant classified as benign is not then subjected to further curation. The score for this variant resulted in a classification of benign for this disease.

Illumina Laboratory Services, Illumina
Classification: Benign for Craniofacial-deafness-hand syndrome. Last evaluated: 2018-01-13. Review status: criteria provided, single submitter. Criteria: ICSL Variant Classification Criteria 13 December 2019. Collection method: clinical testing. Allele origin: germline.
Comment: the same text as in the submission from Illumina Laboratory Services, Illumina above.

Breakthrough Genomics
Classification: Benign. Review status: criteria provided, single submitter. Criteria: ACMG Guidelines, 2015. Collection method: not provided. Allele origin: germline. Inheritance: Autosomal recessive inheritance. Affected: yes.